The following is an entry in ClinVar:

NM_182961.4(SYNE1):c.13658G>A (p.Arg4553Gln)

Gene: SYNE1 (spectrin repeat containing nuclear envelope protein 1; minus strand). Cytogenetic location: 6q25.2.
Variant type: single nucleotide variant.
Coding change: c.13658G>A on transcript NM_182961.4 (MANE Select); coding-DNA position 13658, G replaced by A.
Protein change: p.Arg4553Gln; replaces arginine 4553 with glutamine.
Molecular consequence: missense variant.
Genome position (GRCh38, 1-based): chr6:152,331,027, C>T on the plus strand (G>A on the coding strand, the complement: SYNE1 is on the minus strand). VCF-style: chr6-152331027-C-T. GRCh37 (hg19) VCF-style: chr6-152652162-C-T.
Other names: c.13445G>A, p.Arg4482Gln (NM_033071.5); short protein forms R4482Q, R4553Q.
Identifiers: ClinVar variation 2141622 (VCV002141622.4), dbSNP rs762658704, ClinGen allele CA4056141.

ClinVar aggregate classification (germline): Uncertain significance (1 of 4 stars; one submission).

Conditions:
Autosomal recessive ataxia, Beauce type. Also called: SYNE1-Related Autosomal Recessive Cerebellar Ataxia; Spinocerebellar ataxia, autosomal recessive 8; ATAXIA, RECESSIVE, OF BEAUCE; SYNE1 Deficiency. Identifiers: Orphanet 88644, MedGen C1853116, MONDO:0012549, OMIM 610743.
Emery-Dreifuss muscular dystrophy 4, autosomal dominant (EDMD4). Also called: EMERY-DREIFUSS MUSCULAR DYSTROPHY 4 WITH VARIABLE FEATURES. Identifiers: Orphanet 261, MedGen C2751807, MONDO:0013071, OMIM 612998.

Allele frequency attached by ClinVar (database versions not stated): ExAC 0.00001; gnomAD 0.00001; gnomAD exomes 0.00001; TOPMed 0.00001.
gnomAD v4.1: 14 of 1,614,000 alleles (0.00087%); highest among the groups gnomAD compares: East Asian, 0.0022%; no homozygotes.

Submission:

Labcorp Genetics (formerly Invitae), Labcorp
Classification: Uncertain significance for Emery-Dreifuss muscular dystrophy 4, autosomal dominant; Autosomal recessive ataxia, Beauce type. Last evaluated: 2022-03-04. Review status: criteria provided, single submitter. Criteria: Invitae Variant Classification Sherloc (09022015). Collection method: clinical testing. Allele origin: germline.
Comment: This sequence change replaces arginine, which is basic and polar, with glutamine, which is neutral and polar, at codon 4482 of the SYNE1 protein (p.Arg4482Gln). This variant is present in population databases (rs762658704, gnomAD 0.0009%). This variant has not been reported in the literature in individuals affected with SYNE1-related conditions. Algorithms developed to predict the effect of missense changes on protein structure and function (SIFT, PolyPhen-2, Align-GVGD) all suggest that this variant is likely to be disruptive. In summary, the available evidence is currently insufficient to determine the role of this variant in disease. Therefore, it has been classified as a Variant of Uncertain Significance.